The following is an entry in ClinVar:

NM_170707.4(LMNA):c.636_637dup (p.Glu213fs)

Gene: LMNA (lamin A/C; plus strand). Cytogenetic location: 1q22.
Variant type: Duplication.
Coding change: c.636_637dup on transcript NM_170707.4 (MANE Select); coding-DNA positions 636 to 637, 2 bases duplicated (TG; older notation c.636_637dupTG).
Protein change: p.Glu213fs; shifts the reading frame from glutamic acid 213.
Molecular consequence: frameshift variant.
Genome position (GRCh38, 1-based): chr1:156,134,525-156,134,526, TG duplicated; duplicating any 2 consecutive bases within chr1:156,134,524-156,134,526 gives the same sequence; the c. name uses the placement nearest the transcript's 3' end. VCF-style (leftmost placement, unchanged base first): chr1-156134523-A-AGT. GRCh37 (hg19) VCF-style: chr1-156104314-A-AGT.
Other names: c.300_301dup, p.Glu101fs (NM_001257374.3); c.393_394dup, p.Glu132fs (NM_001282624.2); c.636_637dup, p.Glu213fs (NM_001282625.2, NM_001282626.2, NM_005572.4 and 1 more transcripts); c.636_637dupTG (NM_170707.2); short protein forms E101fs, E213fs, E132fs.
Identifiers: ClinVar variation 1453232 (VCV001453232.7), dbSNP rs2102879360, ClinGen allele CA2573130572.

ClinVar aggregate classification (germline): Pathogenic. Review status: criteria provided, multiple submitters, no conflicts (2 of 4 stars). 2 submissions from 2 submitters: Pathogenic (2). Last evaluated 2024-07-30.

Conditions:
Cardiovascular phenotype. Identifiers: MedGen CN230736.
Charcot-Marie-Tooth disease type 2. Also called: Charcot-Marie-Tooth type 2. Identifiers: Orphanet 64746, MedGen C0270914, MONDO:0018993.

Submissions (2):

Labcorp Genetics (formerly Invitae), Labcorp
Classification: Pathogenic for Charcot-Marie-Tooth disease type 2. Last evaluated: 2024-07-30. Review status: criteria provided, single submitter. Criteria: Invitae Variant Classification Sherloc (09022015). Collection method: clinical testing. Allele origin: germline.
Comment: This sequence change creates a premature translational stop signal (p.Glu213Valfs*268) in the LMNA gene. It is expected to result in an absent or disrupted protein product. Loss-of-function variants in LMNA are known to be pathogenic (PMID: 18585512, 18926329). This variant is not present in population databases (gnomAD no frequency). This variant has not been reported in the literature in individuals affected with LMNA-related conditions. ClinVar contains an entry for this variant (Variation ID: 1453232). For these reasons, this variant has been classified as Pathogenic.

Ambry Genetics
Classification: Pathogenic for Cardiovascular phenotype. Last evaluated: 2024-03-26. Review status: criteria provided, single submitter. Criteria: Ambry Variant Classification Scheme 2023. Collection method: clinical testing. Allele origin: germline.
Comment: The c.636_637dupTG pathogenic mutation, located in coding exon 3 of the LMNA gene, results from a duplication of TG at nucleotide position 636, causing a translational frameshift with a predicted alternate stop codon (p.E213Vfs*268). This variant is considered to be rare based on population cohorts in the Genome Aggregation Database (gnomAD). This alteration is expected to result in loss of function by premature protein truncation or nonsense-mediated mRNA decay. As such, this alteration is interpreted as a disease-causing mutation.

Literature cited by the submitters: PubMed 18585512 (cited by Labcorp Genetics (formerly Invitae), Labcorp); PubMed 18926329 (cited by Labcorp Genetics (formerly Invitae), Labcorp).